The following is an entry in ClinVar:

ClinVar aggregate classification (germline): Likely benign. Review status: criteria provided, single submitter (1 of 4 stars). 2 submissions from 2 submitters: Likely benign (1). 1 of the submissions does not count toward it. Last evaluated 2013-06-24.

Conditions:
TTN-related disorder. Also called: TTN-related disorders; TTN-related condition; TTN-related disease.

Allele frequency attached by ClinVar (database versions not stated): gnomAD 0.00004; TOPMed 0.00011; ExAC 0.00016; gnomAD exomes 0.00022.
gnomAD v4.1: 80 of 1,612,566 alleles (0.005%); highest among the groups gnomAD compares: East Asian, 0.16%; no homozygotes.

Submissions (2):

Biesecker Lab/Clinical Genomics Section, National Institutes of Health
Classification: Likely benign. Last evaluated: 2013-06-24. Review status: criteria provided, single submitter. Criteria: Ng et al. (Circ Cardiovasc Genet. 2013). Collection method: research. Allele origin: unknown. Observed: 2 variant alleles. Study: ClinSeq.
Comment: The study set was not selected for affection status in relation to any cancer. Pathogenicity categories were based on literature curation. See Pubmed ID:23861362 for details.

Medical sequencing

PreventionGenetics, part of Exact Sciences
Classification: Likely benign for TTN-related condition. Last evaluated: 2022-05-02. Review status: no assertion criteria provided. Collection method: clinical testing. Allele origin: germline. Not counted in ClinVar's aggregate classification.
Comment: This variant is classified as likely benign based on ACMG/AMP sequence variant interpretation guidelines (Richards et al. 2015 PMID: 25741868, with internal and published modifications).

NM_133379.5(TTN):c.13244A>T (p.Gln4415Leu)

Gene: TTN (titin; minus strand). Cytogenetic location: 2q31.2.
Variant type: single nucleotide variant.
Coding change: c.13244A>T on transcript NM_133379.5; coding-DNA position 13244, A replaced by T.
Protein change: p.Gln4415Leu; replaces glutamine 4415 with leucine.
Molecular consequence: missense variant. On other transcripts: intron variant (6).
Genome position (GRCh38, 1-based): chr2:178,749,156, T>A on the plus strand (A>T on the coding strand, the complement: TTN is on the minus strand). VCF-style: chr2-178749156-T-A. GRCh37 (hg19) VCF-style: chr2-179613883-T-A.
Other names: c.13244A>T (NM_133379.4); c.10222+3968A>T (NM_003319.4); c.10798+3968A>T (NM_133437.4); c.10597+3968A>T (NM_133432.3); c.10360+3968A>T (NM_133378.4, NM_001256850.1); c.11311+3968A>T (NM_001267550.2); short protein forms Q4415L.
Identifiers: ClinVar variation 192178 (VCV000192178.3), dbSNP rs770557290, ClinGen allele CA238528.